The following is an entry in ClinVar:

ClinVar aggregate classification (germline): Pathogenic (1 of 4 stars; one submission).

Conditions:
Myofibrillar myopathy 5. Also called: Filaminopathy (type); FILAMINOPATHY, AUTOSOMAL DOMINANT. Identifiers: Orphanet 171445, MedGen C1836050, MONDO:0012289, OMIM 609524.
Hypertrophic cardiomyopathy 26. Also called: Cardiomyopathy, familial hypertrophic, 26. Identifiers: Orphanet 75249, MedGen C4310749, MONDO:0014883, OMIM 617047.
Distal myopathy with posterior leg and anterior hand involvement. Also called: WILLIAMS DISTAL MYOPATHY. Identifiers: Orphanet 63273, MedGen C3279722, MONDO:0013550, OMIM 614065.

Submission:

Labcorp Genetics (formerly Invitae), Labcorp
Classification: Pathogenic for Distal myopathy with posterior leg and anterior hand involvement; Myofibrillar myopathy 5; Hypertrophic cardiomyopathy 26. Last evaluated: 2023-09-03. Review status: criteria provided, single submitter. Criteria: Invitae Variant Classification Sherloc (09022015). Collection method: clinical testing. Allele origin: germline.
Comment: For these reasons, this variant has been classified as Pathogenic. This variant has not been reported in the literature in individuals affected with FLNC-related conditions. This variant is not present in population databases (gnomAD no frequency). This sequence change creates a premature translational stop signal (p.Val352Alafs*8) in the FLNC gene. It is expected to result in an absent or disrupted protein product. Loss-of-function variants in FLNC are known to be pathogenic (PMID: 27908349).

Literature cited by the submitters: PubMed 27908349.

NM_001458.5(FLNC):c.1055_1056del (p.Val352fs)

Gene: FLNC (filamin C; plus strand). Cytogenetic location: 7q32.1.
Variant type: Deletion.
Coding change: c.1055_1056del on transcript NM_001458.5 (MANE Select); coding-DNA positions 1055 to 1056, 2 bases deleted (TG; older notation c.1055_1056delTG).
Protein change: p.Val352fs; shifts the reading frame from valine 352.
Molecular consequence: frameshift variant.
Genome position (GRCh38, 1-based): chr7:128,838,274-128,838,275, TG deleted; deleting any 2 consecutive bases within chr7:128,838,273-128,838,275 gives the same sequence; the c. name uses the placement nearest the transcript's 3' end. VCF-style (leftmost placement, unchanged base first): chr7-128838272-CGT-C. GRCh37 (hg19) VCF-style: chr7-128478326-CGT-C.
Other names: c.1055_1056del, p.Val352fs (NM_001127487.2); short protein forms V352fs.
Identifiers: ClinVar variation 2945157 (VCV002945157.3), dbSNP rs2536620835, ClinGen allele CA2740097537.